The following is an entry in ClinVar:

NM_017612.5(ZCCHC8):c.643G>C (p.Gly215Arg)

Gene: ZCCHC8 (zinc finger CCHC-type containing 8; minus strand). Cytogenetic location: 12q24.31.
Variant type: single nucleotide variant.
Coding change: c.643G>C on transcript NM_017612.5 (MANE Select); coding-DNA position 643, G replaced by C.
Protein change: p.Gly215Arg; replaces glycine 215 with arginine.
Molecular consequence: missense variant. On other transcripts: intron variant (3).
Genome position (GRCh38, 1-based): chr12:122,483,307, C>G on the plus strand (G>C on the coding strand, the complement: ZCCHC8 is on the minus strand). VCF-style: chr12-122483307-C-G. GRCh37 (hg19) VCF-style: chr12-122967854-C-G.
Other names: c.346G>C, p.Gly116Arg (NM_001350936.2); c.-43-612G>C (NM_001350938.2, NM_001350937.2); c.502-1220G>C (NM_001350935.2); short protein forms G215R, G116R.
Identifiers: ClinVar variation 2724564 (VCV002724564.3), dbSNP rs368028567, ClinGen allele CA244755883.

ClinVar aggregate classification (germline): Uncertain significance (1 of 4 stars; one submission).

Allele frequency attached by ClinVar (database versions not stated): gnomAD 0.00001; TOPMed 0.00001; ESP Exome Variant Server 0.00008.
gnomAD v4.1: 1 of 1,600,350 alleles (0.000062%); highest among the groups gnomAD compares: African/African-American, 0.0013%; no homozygotes.

Submission:

Labcorp Genetics (formerly Invitae), Labcorp
Classification: Uncertain significance. Last evaluated: 2023-11-25. Review status: criteria provided, single submitter. Criteria: Invitae Variant Classification Sherloc (09022015). Collection method: clinical testing. Allele origin: germline.
Comment: This sequence change replaces glycine, which is neutral and non-polar, with arginine, which is basic and polar, at codon 215 of the ZCCHC8 protein (p.Gly215Arg). This variant is not present in population databases (gnomAD no frequency). This variant has not been reported in the literature in individuals affected with ZCCHC8-related conditions. Advanced modeling of protein sequence and biophysical properties (such as structural, functional, and spatial information, amino acid conservation, physicochemical variation, residue mobility, and thermodynamic stability) performed at Invitae indicates that this missense variant is expected to disrupt ZCCHC8 protein function with a positive predictive value of 80%. In summary, the available evidence is currently insufficient to determine the role of this variant in disease. Therefore, it has been classified as a Variant of Uncertain Significance.